The following is an entry in ClinVar:

ClinVar aggregate classification (germline): Likely benign. Review status: criteria provided, multiple submitters, no conflicts (2 of 4 stars). 2 submissions from 2 submitters: Likely benign (2). Last evaluated 2026-07-07.

Conditions:
Rhabdoid tumor predisposition syndrome 2 (RTPS2). Identifiers: Orphanet 231108, Orphanet 69077, MedGen C2750074, MONDO:0013224, OMIM 613325.

Allele frequency attached by ClinVar (database versions not stated): ExAC below 0.00001.
gnomAD v4.1: 19 of 1,599,340 alleles (0.0012%); highest among the groups gnomAD compares: Non-Finnish European, 0.0015%; no homozygotes.

Submissions (2):

Myriad Genetics, Inc.
Classification: Likely benign for Rhabdoid tumor predisposition syndrome 2. Last evaluated: 2026-07-07. Review status: criteria provided, single submitter. Criteria: Myriad Autosomal Dominant, Autosomal Recessive and X-Linked Classification Criteria (2023). Collection method: clinical testing. Allele origin: unknown.
Comment: This variant is considered likely benign. This variant is intronic and is not expected to impact mRNA splicing.

Labcorp Genetics (formerly Invitae), Labcorp
Classification: Likely benign for Rhabdoid tumor predisposition syndrome 2. Last evaluated: 2026-01-20. Review status: criteria provided, single submitter. Criteria: Invitae Variant Classification Sherloc (09022015). Collection method: clinical testing. Allele origin: germline.

NM_003072.5(SMARCA4):c.2616+6G>T

Gene: SMARCA4 (SWI/SNF related BAF chromatin remodeling complex subunit ATPase 4; plus strand). Cytogenetic location: 19p13.2.
Variant type: single nucleotide variant.
Coding change: c.2616+6G>T on transcript NM_003072.5 (MANE Select); 6 bases into the intron after coding-DNA position 2616, G replaced by T.
Molecular consequence: intron variant.
Genome position (GRCh38, 1-based): chr19:11,019,707, G>T. VCF-style: chr19-11019707-G-T. GRCh37 (hg19) VCF-style: chr19-11130383-G-T.
Other names: c.2616+6G>T (NM_001128844.3, NM_001128849.3, NM_001128847.4 and 5 more transcripts).
Identifiers: ClinVar variation 408599 (VCV000408599.10), dbSNP rs766415751, ClinGen allele CA9204168.
Genomic context (GRCh38, chr19:11,019,707, plus strand): 5'-CGTCTTGCTGACGACGTACGAGTACATCATCAAAGACAAGCACATCCTCGCCAAGGTAAC[G>T]TGTCCCTGTGGGAAATGCCAGGCCATGGGCCGAGTGCTCACACGTGGGTCACGCTGCCCG-3'